The following is an entry in ClinVar:

NM_022124.6(CDH23):c.9738+7G>A

Gene: CDH23 (cadherin related 23; plus strand). Cytogenetic location: 10q22.1.
Variant type: single nucleotide variant.
Coding change: c.9738+7G>A on transcript NM_022124.6 (MANE Select); 7 bases into the intron after coding-DNA position 9738, G replaced by A.
Molecular consequence: intron variant.
Genome position (GRCh38, 1-based): chr10:71,813,355, G>A. VCF-style: chr10-71813355-G-A. GRCh37 (hg19) VCF-style: chr10-73573112-G-A.
Other names: c.3018+7G>A (NM_001171933.1); c.2913+465G>A (NM_001171934.1); c.429+7G>A (NM_001171935.1); c.324+465G>A (NM_001171936.1); c.9738+7G>A (NM_022124.5).
Identifiers: ClinVar variation 1156880 (VCV001156880.11), dbSNP rs561629875, ClinGen allele CA209445406.

ClinVar aggregate classification (germline): Likely benign. Review status: criteria provided, single submitter (1 of 4 stars). 2 submissions from 2 submitters: Likely benign (1). 1 of the submissions does not count toward it. Last evaluated 2025-07-21.

Conditions:
CDH23-related disorder. Also called: CDH23-related disorders; CDH23-related condition.

Allele frequency attached by ClinVar (database versions not stated): gnomAD 0.00002.
gnomAD v4.1: 39 of 1,548,812 alleles (0.0025%); highest among the groups gnomAD compares: Admixed American, 0.0098%; no homozygotes.

Submissions (2):

Labcorp Genetics (formerly Invitae), Labcorp
Classification: Likely benign. Last evaluated: 2025-07-21. Review status: criteria provided, single submitter. Criteria: Invitae Variant Classification Sherloc (09022015). Collection method: clinical testing. Allele origin: germline.

PreventionGenetics, part of Exact Sciences
Classification: Likely benign for CDH23-related condition. Last evaluated: 2020-11-11. Review status: no assertion criteria provided. Collection method: clinical testing. Allele origin: germline. Not counted in ClinVar's aggregate classification.
Comment: This variant is classified as likely benign based on ACMG/AMP sequence variant interpretation guidelines (Richards et al. 2015 PMID: 25741868, with internal and published modifications).